The following is an entry in ClinVar:

ClinVar aggregate classification (germline): other (0 of 4 stars; one submission).

Conditions:
Familial colorectal cancer. Identifiers: MedGen CN280943, MONDO:0023113. Disease mechanism: loss of function.

Submission:

Systems Biology Platform Zhejiang California International NanoSystems Institute
Classification: other for Familial colorectal cancer. Review status: no assertion criteria provided. Collection method: not provided. Allele origin: unknown.
ClinVar note: Converted during submission from cancer to other.

NM_000038.6(APC):c.645+4263A>T

Gene: APC (APC regulator of WNT signaling pathway; plus strand). Cytogenetic location: 5q22.2.
Variant type: single nucleotide variant.
Coding change: c.645+4263A>T on transcript NM_000038.6 (MANE Select); 4263 bases into the intron after coding-DNA position 645, A replaced by T.
Molecular consequence: intron variant.
Genome position (GRCh38, 1-based): chr5:112,785,166, A>T. VCF-style: chr5-112785166-A-T. GRCh37 (hg19) VCF-style: chr5-112120863-A-T.
Other names: c.645+4263A>T (NM_001354895.2, NM_001127510.3, NM_001354896.2 and 2 more transcripts); c.675+4263A>T (NM_001354897.2, NM_001354902.2, NM_001127511.3); c.570+4263A>T (NM_001354898.2, NM_001354904.2); c.-391+4263A>T (NM_001354906.2); c.468+4263A>T (NM_001354900.2, NM_001354901.2, NM_001354905.2).
Identifiers: ClinVar variation 82453 (VCV000082453.2), dbSNP rs80274734, ClinGen allele CA011495.
Genomic context (GRCh38, chr5:112,785,166, plus strand): 5'-ATTAATATGTTTGAGTAGCTTGCCGTCATCACTATTATTTAACTTTGTTTGACAGGCTTG[A>T]CTAATGCAAGTAGAAAAAACAAAATAAGTGTTATGAATCCTACACTATTTTTGAACTAGA-3'